The following is an entry in ClinVar:

NM_020699.4(GATAD2B):c.632A>C (p.Gln211Pro)

Gene: GATAD2B (GATA zinc finger domain containing 2B; minus strand). Cytogenetic location: 1q21.3.
Variant type: single nucleotide variant.
Coding change: c.632A>C on transcript NM_020699.4 (MANE Select); coding-DNA position 632, A replaced by C.
Protein change: p.Gln211Pro; replaces glutamine 211 with proline.
Molecular consequence: missense variant.
Genome position (GRCh38, 1-based): chr1:153,818,137, T>G on the plus strand (A>C on the coding strand, the complement: GATAD2B is on the minus strand). VCF-style: chr1-153818137-T-G. GRCh37 (hg19) VCF-style: chr1-153790613-T-G.
Other names: short protein forms Q211P.
Identifiers: ClinVar variation 3695086 (VCV003695086.2).

ClinVar aggregate classification (germline): Uncertain significance (1 of 4 stars; one submission).

gnomAD v4.1: 1 of 1,612,926 alleles (0.000062%); highest among the groups gnomAD compares: African/African-American, 0.0013%; no homozygotes.

Submission:

Labcorp Genetics (formerly Invitae), Labcorp
Classification: Uncertain significance. Last evaluated: 2024-12-28. Review status: criteria provided, single submitter. Criteria: Invitae Variant Classification Sherloc (09022015). Collection method: clinical testing. Allele origin: germline.
Comment: This sequence change replaces glutamine, which is neutral and polar, with proline, which is neutral and non-polar, at codon 211 of the GATAD2B protein (p.Gln211Pro). This variant is present in population databases (rs773246932, gnomAD 0.007%). This variant has not been reported in the literature in individuals affected with GATAD2B-related conditions. Invitae Evidence Modeling of protein sequence and biophysical properties (such as structural, functional, and spatial information, amino acid conservation, physicochemical variation, residue mobility, and thermodynamic stability) indicates that this missense variant is not expected to disrupt GATAD2B protein function with a negative predictive value of 80%. In summary, the available evidence is currently insufficient to determine the role of this variant in disease. Therefore, it has been classified as a Variant of Uncertain Significance.